The following is an entry in ClinVar:

ClinVar aggregate classification (germline): Likely pathogenic. Review status: criteria provided, single submitter (1 of 4 stars). 2 submissions from 2 submitters: Likely pathogenic (1). 1 of the submissions does not count toward it. Last evaluated 2024-02-21.

Conditions:
Cystinuria (CSNU). Also called: CYSTINURIA, TYPE I; CYSTINURIA, TYPE II; CYSTINURIA, TYPE III; Cystinuria, non-type I. Identifiers: Orphanet 214, MedGen C0010691, MONDO:0009067, OMIM 220100, HP:0003131.
SLC3A1-related disorder. Also called: SLC3A1-related condition.

gnomAD v4.1: 12 of 1,613,678 alleles (0.00074%); highest among the groups gnomAD compares: Admixed American, 0.0017%; no homozygotes.

Submissions (2):

Fulgent Genetics
Classification: Likely pathogenic for Cystinuria. Last evaluated: 2024-02-21. Review status: criteria provided, single submitter. Criteria: ACMG Guidelines, 2015. Collection method: clinical testing. Allele origin: germline.

PreventionGenetics, part of Exact Sciences
Classification: Uncertain significance for SLC3A1-related condition. Last evaluated: 2024-05-23. Review status: no assertion criteria provided. Collection method: clinical testing. Allele origin: germline. Not counted in ClinVar's aggregate classification.
Comment: The SLC3A1 c.809G>T variant is predicted to result in the amino acid substitution p.Arg270Leu. This variant has been reported along with a second SLC3A1 variant in an individual with cystinuria however, phase was not confirmed; in vitro expression analysis in Xenopus laevis oocytes indicated this variant significantly decreased cystine uptake compared to control (Saadi et al. 1998. PubMed ID: 9648062). This variant is reported in 0.00088% of alleles in individuals of European (Non-Finnish) descent in gnomAD. Although we suspect that this variant may be pathogenic, at this time, the clinical significance of this variant is uncertain due to the absence of conclusive functional and genetic evidence.

NM_000341.4(SLC3A1):c.809G>T (p.Arg270Leu)

Gene: SLC3A1 (solute carrier family 3 member 1; plus strand). Cytogenetic location: 2p21.
Variant type: single nucleotide variant.
Coding change: c.809G>T on transcript NM_000341.4 (MANE Select); coding-DNA position 809, G replaced by T.
Protein change: p.Arg270Leu; replaces arginine 270 with leucine.
Molecular consequence: missense variant.
Genome position (GRCh38, 1-based): chr2:44,286,075, G>T. VCF-style: chr2-44286075-G-T. GRCh37 (hg19) VCF-style: chr2-44513214-G-T.
Other names: short protein forms R270L.
Identifiers: ClinVar variation 3351980 (VCV003351980.2).
Genomic context (GRCh38, chr2:44,286,075, plus strand): 5'-TTTTCTTTGTTTGCCAGTTAAGTGTGTATGGAAACTCCAGTTGGCACTTTGACGAAGTGC[G>T]AAACCAATGTTATTTTCATCAGTTTATGAAAGAGCAACCTGATTTAAATTTCCGCAATCC-3'
Protein context (NP_000332.2, residues 260-280): GNSSWHFDEV[Arg270Leu]NQCYFHQFMK